The following is an entry in ClinVar:

ClinVar aggregate classification (germline): Likely pathogenic (1 of 4 stars; one submission).

Submission:

GeneDx
Classification: Likely pathogenic. Last evaluated: 2025-10-07. Review status: criteria provided, single submitter. Criteria: GeneDx Variant Classification Process June 2021. Collection method: clinical testing. Allele origin: germline.
Comment: Not observed at significant frequency in large population cohorts (gnomAD); In silico analysis supports that this missense variant has a deleterious effect on protein structure/function; In silico analysis is inconclusive as to whether the variant alters gene splicing. In the absence of RNA/functional studies, the actual effect of this sequence change is unknown.; Has not been previously published as pathogenic or benign to our knowledge

NM_001277115.2(DNAH11):c.8678A>G (p.Asp2893Gly)

Gene: DNAH11 (dynein axonemal heavy chain 11; plus strand). Cytogenetic location: 7p15.3.
Variant type: single nucleotide variant.
Coding change: c.8678A>G on transcript NM_001277115.2 (MANE Select); coding-DNA position 8678, A replaced by G.
Protein change: p.Asp2893Gly; replaces aspartic acid 2893 with glycine.
Molecular consequence: missense variant.
Genome position (GRCh38, 1-based): chr7:21,749,682, A>G. VCF-style: chr7-21749682-A-G. GRCh37 (hg19) VCF-style: chr7-21789300-A-G.
Other names: short protein forms D2893G.
Identifiers: ClinVar variation 3368421 (VCV003368421.2).